The following is an entry in ClinVar:

NM_000352.6(ABCC8):c.3755A>G (p.Glu1252Gly)

Gene: ABCC8 (ATP binding cassette subfamily C member 8; minus strand). Cytogenetic location: 11p15.1.
Variant type: single nucleotide variant.
Coding change: c.3755A>G on transcript NM_000352.6 (MANE Select); coding-DNA position 3755, A replaced by G.
Protein change: p.Glu1252Gly; replaces glutamic acid 1252 with glycine.
Molecular consequence: missense variant. On other transcripts: non-coding transcript variant (1).
Genome position (GRCh38, 1-based): chr11:17,397,796, T>C on the plus strand (A>G on the coding strand, the complement: ABCC8 is on the minus strand). VCF-style: chr11-17397796-T-C. GRCh37 (hg19) VCF-style: chr11-17419343-T-C.
Other names: c.3758A>G, p.Glu1253Gly (NM_001287174.3); c.3821A>G, p.Glu1274Gly (NM_001351295.2); c.3755A>G, p.Glu1252Gly (NM_001351296.2); c.3752A>G, p.Glu1251Gly (NM_001351297.2); short protein forms E1252G, E1253G, E1251G, E1274G.
Identifiers: ClinVar variation 210077 (VCV000210077.7), dbSNP rs797045210, ClinGen allele CA209515.

ClinVar aggregate classification (germline): Uncertain significance. Review status: criteria provided, multiple submitters, no conflicts (2 of 4 stars). 3 submissions from 2 submitters: Uncertain significance (3). Last evaluated 2015-05-04.

Conditions:
Maturity-onset diabetes of the young (MODY). Also called: Maturity onset diabetes mellitus in young. Identifiers: Orphanet 552, MedGen C0342276, MONDO:0018911, HP:0004904.
Transitory neonatal diabetes mellitus. Also called: Transient neonatal diabetes mellitus. Identifiers: MedGen C0342273, MONDO:0020525, HP:0008255.

Submissions (3):

Genetic Services Laboratory, University of Chicago
Classification: Uncertain significance. Last evaluated: 2015-05-04. Review status: criteria provided, single submitter. Criteria: ACMG Guidelines, 2015. Collection method: clinical testing. Allele origin: germline.

Clinical Genomics, Uppaluri K&H Personalized Medicine Clinic
Classification: Uncertain significance for Maturity-onset diabetes of the young. Review status: criteria provided, single submitter. Criteria: K & H Uppaluri Personalized Medicine Clinic Variant Classification & Assertion Criteria_Updated V.1. Collection method: research. Allele origin: somatic. Inheritance: Somatic mutation.
Comment: Mutations in ABCC8 gene are associated with both neonatal diabetes mellitus as well as MODY. Patients with this mutation may have a better response to sulfonylureas. However, no sufficient evidence is found to ascertain the role of this particular variant (rs797045210) in MODY yet.

Clinical Genomics, Uppaluri K&H Personalized Medicine Clinic
Classification: Uncertain significance for Transitory neonatal diabetes mellitus. Review status: criteria provided, single submitter. Criteria: K & H Uppaluri Personalized Medicine Clinic Variant Classification & Assertion Criteria_Updated V.1. Collection method: research. Allele origin: somatic. Inheritance: Somatic mutation.
Comment: Mutations in ABCC8 gene are associated with both neonatal diabetes mellitus as well as MODY. Patients with this mutation may have a better response to sulfonylureas. However, no sufficient evidence is found to ascertain the role of this particular variant (rs797045210) in neonatal diabetes yet.

Literature cited by the submitters: PubMed 16885549 (cited by Clinical Genomics, Uppaluri K&H Personalized Medicine Clinic); PubMed 21989597 (cited by Clinical Genomics, Uppaluri K&H Personalized Medicine Clinic); PubMed 27538677 (cited by Clinical Genomics, Uppaluri K&H Personalized Medicine Clinic); PubMed 18981553 (cited by Clinical Genomics, Uppaluri K&H Personalized Medicine Clinic); PubMed 32027066 (cited by Clinical Genomics, Uppaluri K&H Personalized Medicine Clinic); PubMed 16613899 (cited by Clinical Genomics, Uppaluri K&H Personalized Medicine Clinic); PubMed 18025408 (cited by Clinical Genomics, Uppaluri K&H Personalized Medicine Clinic); PubMed 32792356 (cited by Clinical Genomics, Uppaluri K&H Personalized Medicine Clinic).